The following is an entry in ClinVar:

ClinVar aggregate classification (germline): Pathogenic (1 of 4 stars; one submission).

Conditions:
Short-rib thoracic dysplasia 10 with or without polydactyly (SRTD10). Identifiers: Orphanet 474, MedGen C3810175, MONDO:0014284, OMIM 615630.
Retinitis pigmentosa 71 (RP71). Identifiers: Orphanet 791, MedGen C4225342, MONDO:0014618, OMIM 616394.

gnomAD v4.1: 1 of 1,614,170 alleles (0.000062%); highest among the groups gnomAD compares: Non-Finnish European, 0.000085%; no homozygotes.

Submission:

Labcorp Genetics (formerly Invitae), Labcorp
Classification: Pathogenic for Retinitis pigmentosa 71; Short-rib thoracic dysplasia 10 with or without polydactyly. Last evaluated: 2025-09-01. Review status: criteria provided, single submitter. Criteria: Invitae Variant Classification Sherloc (09022015). Collection method: clinical testing. Allele origin: germline.
Comment: This sequence change creates a premature translational stop signal (p.Tyr715*) in the IFT172 gene. It is expected to result in an absent or disrupted protein product. Loss-of-function variants in IFT172 are known to be pathogenic (PMID: 24140113). This variant is not present in population databases (gnomAD no frequency). This variant has not been reported in the literature in individuals affected with IFT172-related conditions. For these reasons, this variant has been classified as Pathogenic.

Literature cited by the submitters: PubMed 24140113.

NM_015662.3(IFT172):c.2145C>A (p.Tyr715Ter)

Gene: IFT172 (intraflagellar transport 172; minus strand). Cytogenetic location: 2p23.3.
Variant type: single nucleotide variant.
Coding change: c.2145C>A on transcript NM_015662.3 (MANE Select); coding-DNA position 2145, C replaced by A.
Protein change: p.Tyr715Ter; replaces tyrosine 715 with a stop codon.
Molecular consequence: nonsense.
Genome position (GRCh38, 1-based): chr2:27,461,807, G>T on the plus strand (C>A on the coding strand, the complement: IFT172 is on the minus strand). VCF-style: chr2-27461807-G-T. GRCh37 (hg19) VCF-style: chr2-27684674-G-T.
Other names: c.2079C>A, p.Tyr693Ter (NM_001410739.1); short protein forms Y693*, Y715*.
Identifiers: ClinVar variation 4786025 (VCV004786025.1).